The following is an entry in ClinVar:

ClinVar aggregate classification (germline): Uncertain significance (1 of 4 stars; one submission).

Conditions:
Cardiovascular phenotype. Identifiers: MedGen CN230736.

Allele frequency attached by ClinVar (database versions not stated): gnomAD exomes below 0.00001.

Submission:

Ambry Genetics
Classification: Uncertain significance for Cardiovascular phenotype. Last evaluated: 2023-02-28. Review status: criteria provided, single submitter. Criteria: Ambry Variant Classification Scheme 2023. Collection method: clinical testing. Allele origin: germline.
Comment: The p.M138V variant (also known as c.412A>G), located in coding exon 4 of the PRDM5 gene, results from an A to G substitution at nucleotide position 412. The methionine at codon 138 is replaced by valine, an amino acid with highly similar properties. This amino acid position is conserved. In addition, this alteration is predicted to be tolerated by in silico analysis. Since supporting evidence is limited at this time, the clinical significance of this alteration remains unclear.

NM_018699.4(PRDM5):c.412A>G (p.Met138Val)

Gene: PRDM5 (PR/SET domain 5; minus strand). Cytogenetic location: 4q27.
Variant type: single nucleotide variant.
Coding change: c.412A>G on transcript NM_018699.4 (MANE Select); coding-DNA position 412, A replaced by G.
Protein change: p.Met138Val; replaces methionine 138 with valine.
Molecular consequence: missense variant.
Genome position (GRCh38, 1-based): chr4:120,821,234, T>C on the plus strand (A>G on the coding strand, the complement: PRDM5 is on the minus strand). VCF-style: chr4-120821234-T-C. GRCh37 (hg19) VCF-style: chr4-121742389-T-C.
Other names: c.412A>G, p.Met138Val (NM_001300823.2, NM_001300824.2, NM_001379104.1 and 1 more transcripts); short protein forms M138V.
Identifiers: ClinVar variation 2450366 (VCV002450366.2), dbSNP rs2478060403, ClinGen allele CA358208699.